The following is an entry in ClinVar:

ClinVar aggregate classification (germline): Uncertain significance (1 of 4 stars; one submission).

Conditions:
Wilms tumor 1 (WT1). Also called: Wilms tumor, somatic. Identifiers: Orphanet 654, MedGen CN033288, MONDO:0008679, OMIM 194070.

Submission:

Labcorp Genetics (formerly Invitae), Labcorp
Classification: Uncertain significance for Wilms tumor 1. Last evaluated: 2023-07-10. Review status: criteria provided, single submitter. Criteria: Invitae Variant Classification Sherloc (09022015). Collection method: clinical testing. Allele origin: germline.
Comment: This sequence change replaces tyrosine, which is neutral and polar, with asparagine, which is neutral and polar, at codon 264 of the GPC3 protein (p.Tyr264Asn). This variant is not present in population databases (gnomAD no frequency). This variant has not been reported in the literature in individuals affected with GPC3-related conditions. Advanced modeling of protein sequence and biophysical properties (such as structural, functional, and spatial information, amino acid conservation, physicochemical variation, residue mobility, and thermodynamic stability) performed at Invitae indicates that this missense variant is not expected to disrupt GPC3 protein function. In summary, the available evidence is currently insufficient to determine the role of this variant in disease. Therefore, it has been classified as a Variant of Uncertain Significance.

NM_004484.4(GPC3):c.790T>A (p.Tyr264Asn)

Gene: GPC3 (glypican 3; minus strand). Cytogenetic location: Xq26.2.
Variant type: single nucleotide variant.
Coding change: c.790T>A on transcript NM_004484.4 (MANE Select); coding-DNA position 790, T replaced by A.
Protein change: p.Tyr264Asn; replaces tyrosine 264 with asparagine.
Molecular consequence: missense variant.
Genome position (GRCh38, 1-based): chrX:133,753,724, A>T on the plus strand (T>A on the coding strand, the complement: GPC3 is on the minus strand). VCF-style: chrX-133753724-A-T. GRCh37 (hg19) VCF-style: chrX-132887751-A-T.
Other names: c.790T>A, p.Tyr264Asn (NM_001164617.2); c.742T>A, p.Tyr248Asn (NM_001164618.2); c.628T>A, p.Tyr210Asn (NM_001164619.2); short protein forms Y248N, Y264N, Y210N.
Identifiers: ClinVar variation 2971581 (VCV002971581.3), dbSNP rs752429084, ClinGen allele CA414705833.
Genomic context (GRCh38, chrX:133,753,724, plus strand): 5'-CTTGCATGACCACATTGCAGTAACCGCCACAGGGTTTAACCATCATCAGTCCCTGGCAGT[A>T]AGAGCAGTACCACATTCTGGTGAGCATTCGGCCACAGTCCTTACTGAACTTCAGGTGATC-3'
Protein context (NP_004475.1, residues 254-274): RMLTRMWYCS[Tyr264Asn]CQGLMMVKPC